The following is an entry in ClinVar:

NM_002317.7(LOX):c.208C>T (p.Arg70Trp)

Genes: LOX (lysyl oxidase; minus strand), SRFBP1 (serum response factor binding protein 1; plus strand). Cytogenetic location: 5q23.1.
Variant type: single nucleotide variant.
Coding change: c.208C>T on transcript NM_002317.7 (MANE Select); coding-DNA position 208, C replaced by T.
Protein change: p.Arg70Trp; replaces arginine 70 with tryptophan.
Molecular consequence: missense variant.
Genome position (GRCh38, 1-based): chr5:122,077,778, G>A on the plus strand (C>T on the coding strand, the complement: LOX is on the minus strand). VCF-style: chr5-122077778-G-A. GRCh37 (hg19) VCF-style: chr5-121413473-G-A.
Other names: short protein forms R70W.
Identifiers: ClinVar variation 1519239 (VCV001519239.12), dbSNP rs1225418866, ClinGen allele CA360877545.

ClinVar aggregate classification (germline): Uncertain significance. Review status: criteria provided, multiple submitters, no conflicts (2 of 4 stars). 2 submissions from 2 submitters: Uncertain significance (2). Last evaluated 2026-03-01.

Allele frequency attached by ClinVar (database versions not stated): gnomAD exomes below 0.00001 and 0.00001.
gnomAD v4.1: 1 of 1,548,948 alleles (0.000065%); highest among the groups gnomAD compares: Middle Eastern, 0.017%; no homozygotes.

Submissions (2):

CeGaT Center for Human Genetics Tuebingen
Classification: Uncertain significance. Last evaluated: 2026-03-01. Review status: criteria provided, single submitter. Criteria: CeGaT Center For Human Genetics Tuebingen Variant Classification Criteria Version 2. Collection method: clinical testing. Allele origin: germline. Affected: yes. Observed: 1 variant allele.

Labcorp Genetics (formerly Invitae), Labcorp
Classification: Uncertain significance. Last evaluated: 2023-12-19. Review status: criteria provided, single submitter. Criteria: Invitae Variant Classification Sherloc (09022015). Collection method: clinical testing. Allele origin: germline.
Comment: This sequence change replaces arginine, which is basic and polar, with tryptophan, which is neutral and slightly polar, at codon 70 of the LOX protein (p.Arg70Trp). The frequency data for this variant in the population databases is considered unreliable, as metrics indicate poor data quality at this position in the gnomAD database. This variant has not been reported in the literature in individuals affected with LOX-related conditions. ClinVar contains an entry for this variant (Variation ID: 1519239). Advanced modeling of protein sequence and biophysical properties (such as structural, functional, and spatial information, amino acid conservation, physicochemical variation, residue mobility, and thermodynamic stability) performed at Invitae indicates that this missense variant is not expected to disrupt LOX protein function with a negative predictive value of 80%. In summary, the available evidence is currently insufficient to determine the role of this variant in disease. Therefore, it has been classified as a Variant of Uncertain Significance.